The following is an entry in ClinVar:

NM_001080517.3(SETD5):c.*2del (p.Ter1443=)

Gene: SETD5 (SET domain containing 5; plus strand). Cytogenetic location: 3p25.3.
Variant type: Deletion.
Coding change: c.*2del on transcript NM_001080517.3 (MANE Select); 2 bases downstream of the stop codon, one base deleted (G; older notation c.*2delG).
Protein change: p.Ter1443=.
Molecular consequence: no sequence alteration.
Genome position (GRCh38, 1-based): chr3:9,476,093, G deleted; the last of 3 consecutive G bases (chr3:9,476,091-9,476,093); deleting any one gives the same sequence. VCF-style (leftmost placement, unchanged base first): chr3-9476090-AG-A. GRCh37 (hg19) VCF-style: chr3-9517774-AG-A.
Other names: c.*2del, p.Ter1345= (NM_001292043.2, NM_001349451.2).
Identifiers: ClinVar variation 3616970 (VCV003616970.2).

ClinVar aggregate classification (germline): Uncertain significance (1 of 4 stars; one submission).

Submission:

Labcorp Genetics (formerly Invitae), Labcorp
Classification: Uncertain significance. Last evaluated: 2025-08-18. Review status: criteria provided, single submitter. Criteria: Invitae Variant Classification Sherloc (09022015). Collection method: clinical testing. Allele origin: germline.
Comment: This variant occurs in a non-coding region of the SETD5 gene. It does not change the encoded amino acid sequence of the SETD5 protein. This variant is present in population databases (no rsID available, gnomAD 0.002%). This variant has not been reported in the literature in individuals affected with SETD5-related conditions. ClinVar contains an entry for this variant (Variation ID: 3616970). Experimental studies and prediction algorithms are not available or were not evaluated, and the functional significance of this variant is currently unknown. In summary, the available evidence is currently insufficient to determine the role of this variant in disease. Therefore, it has been classified as a Variant of Uncertain Significance.